The following is an entry in ClinVar:

ClinVar aggregate classification (germline): Likely benign. Review status: criteria provided, multiple submitters, no conflicts (2 of 4 stars). 2 submissions from 2 submitters: Likely benign (2). Last evaluated 2025-12-18.

Conditions:
KMT2D-related disorder. Also called: KMT2D-Related Disorders.
Kabuki syndrome. Also called: Kabuki make-up syndrome; NIIKAWA-KUROKI SYNDROME. Identifiers: Orphanet 2322, MedGen C0796004, MONDO:0016512.

Allele frequency attached by ClinVar (database versions not stated): TOPMed 0.00001; gnomAD 0.00002 and 0.00003; gnomAD exomes 0.00002 and 0.00004; ExAC 0.00005.

Submissions (2):

Labcorp Genetics (formerly Invitae), Labcorp
Classification: Likely benign for Kabuki syndrome. Last evaluated: 2025-12-18. Review status: criteria provided, single submitter. Criteria: Invitae Variant Classification Sherloc (09022015). Collection method: clinical testing. Allele origin: germline.

PreventionGenetics, part of Exact Sciences
Classification: Likely benign for KMT2D-related condition. Last evaluated: 2024-10-31. Review status: criteria provided, single submitter. Criteria: ACMG Guidelines, 2015. Collection method: clinical testing. Allele origin: germline.
Comment: This variant is classified as likely benign based on ACMG/AMP sequence variant interpretation guidelines (Richards et al. 2015 PMID: 25741868, with internal and published modifications).

NM_003482.4(KMT2D):c.3911G>A (p.Arg1304His)

Genes: KMT2D (lysine methyltransferase 2D; minus strand), LOC126861520 (CDK7 strongly-dependent group 2 enhancer GRCh37_chr12:49442744-49443943; plus strand). Cytogenetic location: 12q13.12.
Variant type: single nucleotide variant.
Coding change: c.3911G>A on transcript NM_003482.4 (MANE Select); coding-DNA position 3911, G replaced by A.
Protein change: p.Arg1304His; replaces arginine 1304 with histidine.
Molecular consequence: missense variant.
Genome position (GRCh38, 1-based): chr12:49,049,214, C>T on the plus strand (G>A on the coding strand, the complement: KMT2D is on the minus strand). VCF-style: chr12-49049214-C-T. GRCh37 (hg19) VCF-style: chr12-49442997-C-T.
Other names: c.3911G>A (NM_003482.3); short protein forms R1304H.
Identifiers: ClinVar variation 1387969 (VCV001387969.9), dbSNP rs760202783, ClinGen allele CA6547946.